The following is an entry in ClinVar:

ClinVar aggregate classification (germline): Conflicting classifications of pathogenicity. Review status: criteria provided, conflicting classifications (1 of 4 stars). 3 submissions from 3 submitters: Uncertain significance (2); Likely benign (1). Last evaluated 2024-06-14.

Conditions:
Hereditary cancer-predisposing syndrome. Also called: Hereditary neoplastic syndrome; Neoplastic Syndromes, Hereditary; Tumor predisposition; Hereditary Cancer Syndrome. Identifiers: Orphanet 140162, MedGen C0027672, MeSH D009386, MONDO:0015356.
Pleuropulmonary blastoma (PPB). Identifiers: Orphanet 64742, MedGen C1266144, MONDO:0011014, OMIM 601200, HP:0100528.
Rhabdomyosarcoma, embryonal, 2 (RMSE2). Identifiers: MedGen C1867234, MONDO:0859046, OMIM 180295.
Euthyroid goiter (MNG1). Also called: Goiter, multinodular 1, with or without Sertoli-Leydig cell tumors; SIMPLE GOITER; GOITER, NONTOXIC, WITH INTRATHYROIDAL CALCIFICATION; MULTINODULAR GOITER, ADOLESCENT. Identifiers: Orphanet 276399, MedGen C0302859, MONDO:0007681, OMIM 138800, HP:0009798.
Global developmental delay - lung cysts - overgrowth - Wilms tumor syndrome. Also called: GLOW Syndrome; GLOBAL DEVELOPMENTAL DELAY, LUNG CYSTS, OVERGROWTH, AND WILMS TUMOR. Identifiers: Orphanet 404476, MedGen C4748924, MONDO:0018445, OMIM 618272.
DICER1-related tumor predisposition. Also called: DICER1 syndrome; DICER1-related pleuropulmonary blastoma cancer predisposition syndrome. Identifiers: Orphanet 284343, MedGen C3839822, MONDO:0100216.

Submissions (3):

Fulgent Genetics
Classification: Uncertain significance for Euthyroid goiter; Rhabdomyosarcoma, embryonal, 2; Pleuropulmonary blastoma; Global developmental delay - lung cysts - overgrowth - Wilms tumor syndrome. Last evaluated: 2024-06-14. Review status: criteria provided, single submitter. Criteria: ACMG Guidelines, 2015. Collection method: clinical testing. Allele origin: germline.

Labcorp Genetics (formerly Invitae), Labcorp
Classification: Uncertain significance for DICER1-related tumor predisposition. Last evaluated: 2024-01-24. Review status: criteria provided, single submitter. Criteria: Invitae Variant Classification Sherloc (09022015). Collection method: clinical testing. Allele origin: germline.
Comment: This sequence change replaces methionine, which is neutral and non-polar, with threonine, which is neutral and polar, at codon 837 of the DICER1 protein (p.Met837Thr). This variant is not present in population databases (gnomAD no frequency). This variant has not been reported in the literature in individuals affected with DICER1-related conditions. ClinVar contains an entry for this variant (Variation ID: 1008871). Advanced modeling of protein sequence and biophysical properties (such as structural, functional, and spatial information, amino acid conservation, physicochemical variation, residue mobility, and thermodynamic stability) performed at Invitae indicates that this missense variant is not expected to disrupt DICER1 protein function with a negative predictive value of 80%. In summary, the available evidence is currently insufficient to determine the role of this variant in disease. Therefore, it has been classified as a Variant of Uncertain Significance.

Ambry Genetics
Classification: Likely benign for Hereditary cancer-predisposing syndrome. Last evaluated: 2021-01-23. Review status: criteria provided, single submitter. Criteria: Ambry Variant Classification Scheme 2023. Collection method: clinical testing. Allele origin: germline.

NM_177438.3(DICER1):c.2510T>C (p.Met837Thr)

Gene: DICER1 (dicer 1, ribonuclease III; minus strand). Cytogenetic location: 14q32.13.
Variant type: single nucleotide variant.
Coding change: c.2510T>C on transcript NM_177438.3 (MANE Select); coding-DNA position 2510, T replaced by C.
Protein change: p.Met837Thr; replaces methionine 837 with threonine.
Molecular consequence: missense variant.
Genome position (GRCh38, 1-based): chr14:95,108,020, A>G on the plus strand (T>C on the coding strand, the complement: DICER1 is on the minus strand). VCF-style: chr14-95108020-A-G. GRCh37 (hg19) VCF-style: chr14-95574357-A-G.
Other names: c.2510T>C, p.Met837Thr (NM_001195573.1, NM_001271282.3, NM_001291628.2 and 1 more transcripts); short protein forms M837T.
Identifiers: ClinVar variation 1008871 (VCV001008871.13), dbSNP rs1891606034, ClinGen allele CA390881873.